The following is an entry in ClinVar:

ClinVar aggregate classification (germline): Pathogenic (1 of 4 stars; one submission).

Conditions:
Autosomal recessive nonsyndromic hearing loss 77. Identifiers: Orphanet 90636, MedGen C2746083, MONDO:0013119, OMIM 613079.

Submission:

3billion
Classification: Pathogenic for Autosomal recessive nonsyndromic hearing loss 77. Last evaluated: 2023-10-12. Review status: criteria provided, single submitter. Criteria: ACMG Guidelines, 2015. Collection method: clinical testing. Allele origin: germline. Affected: yes.
Comment: The variant is not observed in the gnomAD v2.1.1 dataset. Predicted Consequence/Location: Frameshift: predicted to result in a loss or disruption of normal protein function through nonsense-mediated decay (NMD) or protein truncation. Multiple pathogenic variants are reported downstream of the variant. Therefore, this variant is classified as Pathogenic according to the recommendation of ACMG/AMP guideline.

NM_001384474.1(LOXHD1):c.4683del (p.Arg1562fs)

Gene: LOXHD1 (lipoxygenase homology PLAT domains 1; minus strand). Cytogenetic location: 18q21.1.
Variant type: Deletion.
Coding change: c.4683del on transcript NM_001384474.1 (MANE Select); coding-DNA position 4683, one base deleted (G; older notation c.4683delG).
Protein change: p.Arg1562fs; shifts the reading frame from arginine 1562.
Molecular consequence: frameshift variant.
Genome position (GRCh38, 1-based): chr18:46,524,765, C deleted on the plus strand (G on the coding strand, the reverse complement: LOXHD1 is on the minus strand); the first of 3 consecutive C bases (chr18:46,524,765-46,524,767); deleting any one gives the same sequence. VCF-style (leftmost placement, unchanged base first): chr18-46524764-GC-G. GRCh37 (hg19) VCF-style: chr18-44104727-GC-G.
Other names: c.1350del, p.Arg451fs (NM_001145472.3); c.1062del, p.Arg355fs (NM_001308013.2); c.4683del, p.Arg1562fs (NM_144612.7); short protein forms R1562fs, R355fs, R451fs.
Identifiers: ClinVar variation 3776141 (VCV003776141.1).
Genomic context (GRCh38, chr18:46,524,764, plus strand): 5'-TCACCTTCTCGTAAAAGAGCCTCTCGAGTCGCCCATCCTCCTTCTTCAGGGAGAGCCAGC[GC>G]CCGCATAGGAACAGGAACTCGTCCTCGTTGGTGTCATTCCAGATCTCCACCTTCTCCACG-3'